The following is an entry in ClinVar:

ClinVar aggregate classification (germline): Pathogenic/Likely pathogenic. Review status: criteria provided, multiple submitters, no conflicts (2 of 4 stars). 2 submissions from 2 submitters: Pathogenic (1); Likely pathogenic (1). Last evaluated 2025-08-18.

Conditions:
LAMA2-related disorder. Also called: LAMA2-related condition; LAMA2-related disorders.
LAMA2-related muscular dystrophy (LAMA2-RD). Also called: Laminin alpha 2-related dystrophy. Identifiers: MedGen C5679788, MONDO:0100228.

Submissions (2):

Labcorp Genetics (formerly Invitae), Labcorp
Classification: Pathogenic for LAMA2-related muscular dystrophy. Last evaluated: 2025-08-18. Review status: criteria provided, single submitter. Criteria: Invitae Variant Classification Sherloc (09022015). Collection method: clinical testing. Allele origin: germline.
Comment: This sequence change creates a premature translational stop signal (p.Tyr690Alafs*10) in the LAMA2 gene. It is expected to result in an absent or disrupted protein product. Loss-of-function variants in LAMA2 are known to be pathogenic (PMID: 18700894, 32904964). This variant is not present in population databases (gnomAD no frequency). This variant has not been reported in the literature in individuals affected with LAMA2-related conditions. ClinVar contains an entry for this variant (Variation ID: 652901). For these reasons, this variant has been classified as Pathogenic.

Blueprint Genetics
Classification: Likely pathogenic for LAMA2-related disorders. Last evaluated: 2023-04-14. Review status: criteria provided, single submitter. Criteria: ACMG Guidelines, 2015. Collection method: clinical testing. Allele origin: germline. Affected: yes. Observed: 1 variant allele.

Literature cited by the submitters: PubMed 18700894 (cited by Labcorp Genetics (formerly Invitae), Labcorp); PubMed 32904964 (cited by Labcorp Genetics (formerly Invitae), Labcorp).

NM_000426.4(LAMA2):c.2068_2071del (p.Tyr690fs)

Gene: LAMA2 (laminin subunit alpha 2; plus strand). Cytogenetic location: 6q22.33.
Variant type: Deletion.
Coding change: c.2068_2071del on transcript NM_000426.4 (MANE Select); coding-DNA positions 2068 to 2071, 4 bases deleted (TACA; older notation c.2068_2071delTACA).
Protein change: p.Tyr690fs; shifts the reading frame from tyrosine 690.
Molecular consequence: frameshift variant.
Genome position (GRCh38, 1-based): chr6:129,252,267-129,252,270, TACA deleted; deleting any 4 consecutive bases within chr6:129,252,264-129,252,270 gives the same sequence; the c. name uses the placement nearest the transcript's 3' end. VCF-style (leftmost placement, unchanged base first): chr6-129252263-CACAT-C. GRCh37 (hg19) VCF-style: chr6-129573408-CACAT-C.
Other names: c.2068_2071delTACA (NM_000426.3); c.2068_2071del, p.Tyr690fs (NM_001079823.2); short protein forms Y690fs.
Identifiers: ClinVar variation 652901 (VCV000652901.8), dbSNP rs1583345113, ClinGen allele CA915942772.